The following is an entry in ClinVar:

NM_001845.6(COL4A1):c.1790GTG[1] (p.Gly598del)

Gene: COL4A1 (collagen type IV alpha 1 chain; minus strand). Cytogenetic location: 13q34.
Variant type: Microsatellite.
Coding change: c.1790GTG[1] on transcript NM_001845.6 (MANE Select); one copy of the 3-base unit GTG starting at c.1790; the reference has two copies in a row; one copy, 3 bases deleted.
Protein change: p.Gly598del; deletes glycine 598.
Molecular consequence: inframe deletion.
Genome position (GRCh38, 1-based): chr13:110,186,487-110,186,489, CAC deleted on the plus strand (GTG on the coding strand, the reverse complement: COL4A1 is on the minus strand); deleting any 3 consecutive bases within chr13:110,186,487-110,186,492 gives the same sequence; the position shown is the placement nearest the transcript's 3' end. VCF-style (leftmost placement, unchanged base first): chr13-110186486-TCAC-T. GRCh37 (hg19) VCF-style: chr13-110838833-TCAC-T.
Other names: short protein forms G598del.
Identifiers: ClinVar variation 2844132 (VCV002844132.3), dbSNP rs2501798569, ClinGen allele CA2739277753.

ClinVar aggregate classification (germline): Likely pathogenic (1 of 4 stars; one submission).

Submission:

Labcorp Genetics (formerly Invitae), Labcorp
Classification: Likely pathogenic. Last evaluated: 2023-03-08. Review status: criteria provided, single submitter. Criteria: Invitae Variant Classification Sherloc (09022015). Collection method: clinical testing. Allele origin: germline.
Comment: In summary, the currently available evidence indicates that the variant is pathogenic, but additional data are needed to prove that conclusively. Therefore, this variant has been classified as Likely Pathogenic. This variant disrupts the triple helix domain of COL4A1. Glycine residues within the Gly-Xaa-Yaa repeats of the triple helix domain are required for the structure and stability of fibrillar collagens (PMID: 7695699, 8218237, 19344236). In COL4A1 variants affecting these glycine residues are significantly enriched in individuals with disease (PMID: 9016532, 17078022) compared to the general population (ExAC). This variant has not been reported in the literature in individuals affected with COL4A1-related conditions. This variant, c.1793_1795del, results in the deletion of 1 amino acid(s) of the COL4A1 protein (p.Gly598del), but otherwise preserves the integrity of the reading frame. This variant is not present in population databases (gnomAD no frequency).

Literature cited by the submitters: PubMed 7695699; PubMed 8218237; PubMed 19344236; PubMed 9016532; PubMed 17078022.